The following is an entry in ClinVar:

NM_000051.4(ATM):c.6203T>C (p.Leu2068Ser)

Genes: ATM (ATM serine/threonine kinase; plus strand), C11orf65 (chromosome 11 open reading frame 65; minus strand). Cytogenetic location: 11q22.3.
Variant type: single nucleotide variant.
Coding change: c.6203T>C on transcript NM_000051.4 (MANE Select); coding-DNA position 6203, T replaced by C.
Protein change: p.Leu2068Ser; replaces leucine 2068 with serine.
Molecular consequence: missense variant. On other transcripts: intron variant (2).
Genome position (GRCh38, 1-based): chr11:108,317,377, T>C. VCF-style: chr11-108317377-T-C. GRCh37 (hg19) VCF-style: chr11-108188104-T-C.
Other names: c.6203T>C, p.Leu2068Ser (NM_001351834.2); c.641-8306A>G (NM_001330368.2); c.*39-8306A>G (NM_001351110.2); short protein forms L2068S.
Identifiers: ClinVar variation 489568 (VCV000489568.24), dbSNP rs1555114558, ClinGen allele CA382551029.

ClinVar aggregate classification (germline): Likely pathogenic. Review status: criteria provided, multiple submitters, no conflicts (2 of 4 stars). 8 submissions from 8 submitters: Likely pathogenic (8). Last evaluated 2025-07-14.

Conditions:
Hereditary cancer-predisposing syndrome. Also called: Neoplastic Syndromes, Hereditary; Hereditary Cancer Syndrome; Tumor predisposition; Hereditary neoplastic syndrome. Identifiers: Orphanet 140162, MedGen C0027672, MeSH D009386, MONDO:0015356.
Ataxia-telangiectasia syndrome (AT). Also called: LOUIS-BAR SYNDROME; Cerebello-oculocutaneous telangiectasia; Immunodeficiency with ataxia telangiectasia; Ataxia-telangiectasia, complementation group D; AT, COMPLEMENTATION GROUP C; Ataxia-telangiectasia, complementation group E. Identifiers: Orphanet 100, MedGen C0004135, MONDO:0008840, OMIM 208900.
Familial cancer of breast. Also called: Hereditary breast cancer; BREAST CANCER, FAMILIAL; hereditary breast carcinoma. Identifiers: Orphanet 227535, MedGen C0346153, MONDO:0016419, OMIM 114480. Disease mechanism: loss of function.

Allele frequency attached by ClinVar (database versions not stated): gnomAD exomes below 0.00001.
gnomAD v4.1: 1 of 1,611,006 alleles (0.000062%); highest among the groups gnomAD compares: Non-Finnish European, 0.000085%; no homozygotes.

Submissions (8):

Ambry Genetics
Classification: Likely pathogenic for Hereditary cancer-predisposing syndrome. Last evaluated: 2025-07-14. Review status: criteria provided, single submitter. Criteria: Ambry Variant Classification Scheme 2023. Collection method: clinical testing. Allele origin: germline.
Comment: The p.L2068S variant (also known as c.6203T>C), located in coding exon 42 of the ATM gene, results from a T to C substitution at nucleotide position 6203. The leucine at codon 2068 is replaced by serine, an amino acid with dissimilar properties. This variant has been identified in the homozygous state and/or in conjunction with other ATM variant(s) in individual(s) with features consistent with ataxia telangiectasia (Anheim M et al. Neurogenetics, 2010 Feb;11:1-12; Jacquemin V et al. Eur J Hum Genet, 2012 Mar;20:305-12; Carranza D et al. Neuromolecular Med, 2017 Mar;19:161-174; Berland A et al. J Allergy Clin Immunol, 2019 Jan;143:325-334.e2). This amino acid position is highly conserved in available vertebrate species. In addition, the in silico prediction for this alteration is inconclusive. This variant is considered to be rare based on population cohorts in the Genome Aggregation Database (gnomAD). Based on the majority of available evidence to date, this variant is likely to be pathogenic.

Labcorp Genetics (formerly Invitae), Labcorp
Classification: Likely pathogenic for Ataxia-telangiectasia syndrome. Last evaluated: 2025-03-03. Review status: criteria provided, single submitter. Criteria: Invitae Variant Classification Sherloc (09022015). Collection method: clinical testing. Allele origin: germline.
Comment: This sequence change replaces leucine, which is neutral and non-polar, with serine, which is neutral and polar, at codon 2068 of the ATM protein (p.Leu2068Ser). This variant is not present in population databases (gnomAD no frequency). This missense change has been observed in individual(s) with ataxia-telangiectasia, late-onset ataxia, or breast cancer (PMID: 19440741, 22071889, 27664052, 30303537, 31050087). In at least one individual the data is consistent with being in trans (on the opposite chromosome) from a pathogenic variant. ClinVar contains an entry for this variant (Variation ID: 489568). Invitae Evidence Modeling of protein sequence and biophysical properties (such as structural, functional, and spatial information, amino acid conservation, physicochemical variation, residue mobility, and thermodynamic stability) has been performed for this missense variant. However, the output from this modeling did not meet the statistical confidence thresholds required to predict the impact of this variant on ATM protein function. Experimental studies are conflicting or provide insufficient evidence to determine the effect of this variant on ATM function (PMID: 22071889, 27664052, 31050087). In summary, the currently available evidence indicates that the variant is pathogenic, but additional data are needed to prove that conclusively. Therefore, this variant has been classified as Likely Pathogenic.

3billion
Classification: Likely pathogenic for Familial cancer of breast. Last evaluated: 2024-08-14. Review status: criteria provided, single submitter. Criteria: ACMG Guidelines, 2015. Collection method: clinical testing. Allele origin: germline. Affected: yes.
Comment: The variant is observed at an extremely low frequency in the gnomAD v4.0.0 dataset (total allele frequency: <0.001%). Predicted Consequence/Location: Missense variant In silico tool predictions suggest damaging effect of the variant on gene or gene product [3Cnet: 0.83 (>=0.6, sensitivity 0.72 and precision 0.9)]. The same nucleotide change resulting in the same amino acid change has been previously reported as pathogenic/likely pathogenic with strong evidence (ClinVar ID: VCV000489568). Therefore, this variant is classified as Likely pathogenic according to the recommendation of ACMG/AMP guideline.

Color Diagnostics, LLC DBA Color Health
Classification: Likely pathogenic for Hereditary cancer-predisposing syndrome. Last evaluated: 2024-02-08. Review status: criteria provided, single submitter. Criteria: ACMG Guidelines, 2015. Collection method: clinical testing. Allele origin: germline.
Comment: This missense variant replaces leucine with serine at codon 2068 of the ATM protein. Computational prediction is inconclusive regarding the impact of this variant on protein structure and function. This variant has been reported in the compound heterozygous state with an additional pathogenic ATM variant in individuals affected with ataxia-telangiectasia (PMID: 19440741, 27664052). Cells derived from one of these individuals have shown decreased ATM protein expression, no detectable ATM kinase activity, and some radiosensitivity (PMID: 27664052). This variant has also been reported in the homozygous state in an individual affected with atypical ataxia-telangiectasia (PMID: 22071889, 31050087). Cells derived from this individual have shown a slight decrease in ATM protein expression and residual ATM kinase activity, suggesting that the variant is hypomorphic (PMID: 22071889, 31050087). This variant has been reported in individuals affected with breast cancer (PMID: 30303537). This variant has not been identified in the general population by the Genome Aggregation Database (gnomAD). Based on the available evidence, this variant is classified as Likely Pathogenic. It is however important to note that this variant may be hypomorphic and the associated cancer risk may be different from that of other pathogenic ATM variants. Medical management should be considered based on the individual's personal and family history.

Women's Health and Genetics/Laboratory Corporation of America, LabCorp
Classification: Likely pathogenic for Ataxia-telangiectasia syndrome. Last evaluated: 2023-12-13. Review status: criteria provided, single submitter. Criteria: LabCorp Variant Classification Summary - May 2015. Collection method: clinical testing. Allele origin: germline.
Comment: Variant summary: ATM c.6203T>C (p.Leu2068Ser) results in a non-conservative amino acid change located in the PIK-related kinase (IPR014009) of the encoded protein sequence. Four of five in-silico tools predict a damaging effect of the variant on protein function. The variant was absent in 251316 control chromosomes. c.6203T>C has been reported in the literature in individuals affected with Ataxia-Telangiectasia (Anheim_2010, Carranza_2017, Jacquemin_2012) and Breast cancer (Girard_2019). These data indicate that the variant is likely to be associated with disease. At least one publication reports experimental evidence evaluating an impact on protein function showing an impact on protein function (Jacquemin_2012). The following publications have been ascertained in the context of this evaluation (PMID: 19440741, 27664052, 30303537, 22071889). Six submitters have cited clinical-significance assessments for this variant to ClinVar after 2014 and classified as likely pathogenic (n=4) and VUS (n=2). Based on the evidence outlined above, the variant was classified as likely pathogenic.

Myriad Genetics, Inc.
Classification: Likely pathogenic for Familial cancer of breast. Last evaluated: 2023-07-13. Review status: criteria provided, single submitter. Criteria: Myriad Autosomal Dominant, Autosomal Recessive and X-Linked Classification Criteria (2023). Collection method: clinical testing. Allele origin: unknown.
Comment: This variant is considered likely pathogenic. This variant has been reported in multiple individuals with clinical features of gene-specific disease [PMID: 22071889, 29906526, 19440741, 27664052]. Functional studies indicate this variant impacts protein function [PMID: 22071889, 31050087, 27664052].

Baylor Genetics
Classification: Likely pathogenic for Familial cancer of breast. Last evaluated: 2023-05-10. Review status: criteria provided, single submitter. Criteria: ACMG Guidelines, 2015. Collection method: clinical testing. Allele origin: unknown.

Spanish ATM Cancer Susceptibility Variant Interpretation Working Group
Classification: Likely pathogenic for Hereditary cancer-predisposing syndrome. Last evaluated: 2020-06-17. Review status: criteria provided, single submitter. Criteria: Feliubadaló L et al. (Clin Chem 2021). Collection method: clinical testing. Allele origin: germline. Affected: yes. Observed: 1 heterozygote.
Comment: The c. 6203T>C (p.Leu2068Ser) variant is absent from the gnomAD v2.1.1 non-cancer dataset, in a position with adequate coverage (>20x) (PM2). This missense variant is not predicted to lead to a splicing alteration as per SPiCE predictor and no splicing site is created/activated according to at least 3 splicing predictors of the set SpliceSiteFinderlike - MaxEntScan - NNSplice – GeneSplicer, but it alters the protein function / structure on the in-silico prediction reports of REVEL and PROVEAN (PP3). The variant was detected in three ataxia telangiectasia probands: two compound heterozygotes with truncating variants and one homozygote (PS4_Moderate; PMID: 19440741; PMID: 27664052; PMID: 22071889). Studies in ataxia-telangiectasia patient carrier cells show trace or low levels of ATM protein, no autophosphorilation in Serine 1981 and no (or trace) phosphorylation of two substrates (H2AX Ser139 and KAP1 Ser824) upon irradiation and intermediate irradiation sensitivity in a colony survival assay (PS3_Moderate; PMID: 19440741; PMID: 27664052). Therefore, this variant meets criteria to be classified as likely pathogenic. Adapted ACMG/AMP rules applied as defined by the Spanish ATM working group: PM2 + PS4_Moderate + PS3_Moderate + PP3 (PMID: 33280026).

Literature cited by the submitters: PubMed 19440741 (cited by 6 submitters); PubMed 22071889 (cited by 6 submitters); PubMed 27664052 (cited by 6 submitters); PubMed 29906526 (cited by Ambry Genetics and Myriad Genetics, Inc.); PubMed 37438524 (cited by Ambry Genetics); PubMed 30303537 (cited by 3 submitters); PubMed 31050087 (cited by 3 submitters).